The following is an entry in ClinVar:

NM_021813.4(BACH2):c.28C>T (p.Pro10Ser)

Gene: BACH2 (BACH transcriptional regulator 2; minus strand). Cytogenetic location: 6q15.
Variant type: single nucleotide variant.
Coding change: c.28C>T on transcript NM_021813.4 (MANE Select); coding-DNA position 28, C replaced by T.
Protein change: p.Pro10Ser; replaces proline 10 with serine.
Molecular consequence: missense variant.
Genome position (GRCh38, 1-based): chr6:90,008,817, G>A on the plus strand (C>T on the coding strand, the complement: BACH2 is on the minus strand). VCF-style: chr6-90008817-G-A. GRCh37 (hg19) VCF-style: chr6-90718536-G-A.
Other names: c.28C>T, p.Pro10Ser (NM_001170794.2); short protein forms P10S.
Identifiers: ClinVar variation 2115862 (VCV002115862.4), dbSNP rs2533639327, ClinGen allele CA365069671.

ClinVar aggregate classification (germline): Uncertain significance (1 of 4 stars; one submission).

Submission:

Labcorp Genetics (formerly Invitae), Labcorp
Classification: Uncertain significance. Last evaluated: 2022-03-23. Review status: criteria provided, single submitter. Criteria: Invitae Variant Classification Sherloc (09022015). Collection method: clinical testing. Allele origin: germline.
Comment: This variant is not present in population databases (gnomAD no frequency). This sequence change replaces proline, which is neutral and non-polar, with serine, which is neutral and polar, at codon 10 of the BACH2 protein (p.Pro10Ser). This variant has not been reported in the literature in individuals affected with BACH2-related conditions. Algorithms developed to predict the effect of missense changes on protein structure and function (SIFT, PolyPhen-2, Align-GVGD) all suggest that this variant is likely to be disruptive. In summary, the available evidence is currently insufficient to determine the role of this variant in disease. Therefore, it has been classified as a Variant of Uncertain Significance.